The following is an entry in ClinVar:

NM_004304.5(ALK):c.233C>G (p.Ser78Trp)

Gene: ALK (ALK receptor tyrosine kinase; minus strand). Cytogenetic location: 2p23.1.
Variant type: single nucleotide variant.
Coding change: c.233C>G on transcript NM_004304.5 (MANE Select); coding-DNA position 233, C replaced by G.
Protein change: p.Ser78Trp; replaces serine 78 with tryptophan.
Molecular consequence: missense variant.
Genome position (GRCh38, 1-based): chr2:29,920,427, G>C on the plus strand (C>G on the coding strand, the complement: ALK is on the minus strand). VCF-style: chr2-29920427-G-C. GRCh37 (hg19) VCF-style: chr2-30143293-G-C.
Other names: short protein forms S78W.
Identifiers: ClinVar variation 470790 (VCV000470790.8), dbSNP rs748978993, ClinGen allele CA346590433.

ClinVar aggregate classification (germline): Conflicting classifications of pathogenicity. Review status: criteria provided, conflicting classifications (1 of 4 stars). 3 submissions from 3 submitters: Uncertain significance (2); Benign (1). Last evaluated 2025-12-08.

Conditions:
Neuroblastoma, susceptibility to, 3. Also called: ALK-Related Neuroblastic Tumor Susceptibility. Identifiers: Orphanet 635, MedGen C2751681, MONDO:0013083, OMIM 613014.
Hereditary cancer-predisposing syndrome. Also called: Hereditary neoplastic syndrome; Neoplastic Syndromes, Hereditary; Tumor predisposition; Hereditary Cancer Syndrome. Identifiers: Orphanet 140162, MedGen C0027672, MeSH D009386, MONDO:0015356.

Allele frequency attached by ClinVar (database versions not stated): TOPMed 0.00002.
gnomAD v4.1: 5 of 1,603,658 alleles (0.00031%); highest among the groups gnomAD compares: East Asian, 0.011%; no homozygotes.

Submissions (3):

Labcorp Genetics (formerly Invitae), Labcorp
Classification: Uncertain significance for Neuroblastoma, susceptibility to, 3. Last evaluated: 2025-12-08. Review status: criteria provided, single submitter. Criteria: Invitae Variant Classification Sherloc (09022015). Collection method: clinical testing. Allele origin: germline.
Comment: This sequence change replaces serine, which is neutral and polar, with tryptophan, which is neutral and slightly polar, at codon 78 of the ALK protein (p.Ser78Trp). This variant is present in population databases (no rsID available, gnomAD 0.04%). This variant has not been reported in the literature in individuals affected with ALK-related conditions. ClinVar contains an entry for this variant (Variation ID: 470790). An algorithm developed to predict the effect of missense changes on protein structure and function (PolyPhen-2) suggests that this variant is likely to be tolerated. In summary, the available evidence is currently insufficient to determine the role of this variant in disease. Therefore, it has been classified as a Variant of Uncertain Significance.

Ambry Genetics
Classification: Benign for Hereditary cancer-predisposing syndrome. Last evaluated: 2024-06-25. Review status: criteria provided, single submitter. Criteria: Ambry Variant Classification Scheme 2023. Collection method: clinical testing. Allele origin: germline.

Baylor Genetics
Classification: Uncertain significance for Neuroblastoma, susceptibility to, 3. Last evaluated: 2023-07-07. Review status: criteria provided, single submitter. Criteria: ACMG Guidelines, 2015. Collection method: clinical testing. Allele origin: unknown.